The following is an entry in ClinVar:

NM_033380.3(COL4A5):c.322-12C>A

Gene: COL4A5 (collagen type IV alpha 5 chain; plus strand). Cytogenetic location: Xq22.3.
Variant type: single nucleotide variant.
Coding change: c.322-12C>A on transcript NM_033380.3 (MANE Select); 12 bases into the intron before coding-DNA position 322, C replaced by A.
Molecular consequence: intron variant.
Genome position (GRCh38, 1-based): chrX:108,568,747, C>A. VCF-style: chrX-108568747-C-A. GRCh37 (hg19) VCF-style: chrX-107811977-C-A.
Other names: c.322-12C>A (NM_000495.5).
Identifiers: ClinVar variation 2635552 (VCV002635552.1), dbSNP rs763529298, ClinGen allele CA2579675799.
Genomic context (GRCh38, chrX:108,568,747, plus strand): 5'-CACTTTTTACTTTGAAATCTCTTGAAAAGTAATCTAAGACATATTATACATGTGTTATGT[C>A]GCTTTTCAAAGGGAATGCCAGGCCACGATGGGGCCCCAGGACCTCAAGGTATTCCCGGAT-3'

ClinVar aggregate classification (germline): Uncertain significance (1 of 4 stars; one submission).

Conditions:
COL4A5-related disorder. Also called: COL4A5-related condition.

Submission:

PreventionGenetics, part of Exact Sciences
Classification: Uncertain significance for COL4A5-related condition. Last evaluated: 2022-11-17. Review status: criteria provided, single submitter. Criteria: ACMG Guidelines, 2015. Collection method: clinical testing. Allele origin: germline.
Comment: The COL4A5 c.322-12C>A variant is predicted to interfere with splicing. To our knowledge, this variant has not been reported in the literature or in a large population database, indicating this variant is rare. However, the use of computer prediction programs is not equivalent to functional evidence, and therefore the clinical significance of this variant is uncertain.